The following is an entry in ClinVar:

NM_001104631.2(PDE4D):c.998T>C (p.Ile333Thr)

Gene: PDE4D (phosphodiesterase 4D; minus strand). Cytogenetic location: 5q11.2.
Variant type: single nucleotide variant.
Coding change: c.998T>C on transcript NM_001104631.2 (MANE Select); coding-DNA position 998, T replaced by C.
Protein change: p.Ile333Thr; replaces isoleucine 333 with threonine.
Molecular consequence: missense variant.
Genome position (GRCh38, 1-based): chr5:58,993,389, A>G on the plus strand (T>C on the coding strand, the complement: PDE4D is on the minus strand). VCF-style: chr5-58993389-A-G. GRCh37 (hg19) VCF-style: chr5-58289216-A-G.
Other names: c.815T>C, p.Ile272Thr (NM_001165899.2, NM_001364599.1); c.806T>C, p.Ile269Thr (NM_001197218.2); c.632T>C, p.Ile211Thr (NM_001197219.2); c.608T>C, p.Ile203Thr (NM_001197220.2); c.92T>C, p.Ile31Thr (NM_001197221.2, NM_001364603.1); c.326T>C, p.Ile109Thr (NM_001197222.2); c.125T>C, p.Ile42Thr (NM_001197223.2); c.785T>C, p.Ile262Thr (NM_001349241.2); and 3 more; short protein forms I109T, I197T, I203T, I211T, I223T, I262T, I269T, I272T.
Identifiers: ClinVar variation 2444421 (VCV002444421.1), dbSNP rs2479492253, ClinGen allele CA359818010.

ClinVar aggregate classification (germline): Pathogenic (1 of 4 stars; one submission).

Conditions:
Acrodysostosis 2 with or without hormone resistance. Also called: ACRODYSOSTOSIS 2 WITH HORMONE RESISTANCE; ACRODYSOSTOSIS 2 WITHOUT HORMONE RESISTANCE. Identifiers: Orphanet 280651, MedGen C3553250, MONDO:0013822, OMIM 614613.

Submission:

3billion
Classification: Pathogenic for Acrodysostosis 2 with or without hormone resistance. Last evaluated: 2023-02-23. Review status: criteria provided, single submitter. Criteria: ACMG Guidelines, 2015. Collection method: clinical testing. Allele origin: unknown. Affected: yes.
Comment: The variant is not observed in the gnomAD v2.1.1 dataset. Missense changes are a common disease-causing mechanism. In silico tool predictions suggest damaging effect of the variant on gene or gene product (REVEL: 0.91; 3Cnet: 0.11). Same nucleotide change resulting in same amino acid change has been previously reported to be associated with PDE4D related disorder, and reported as de novo in at least two similarly affected unrelated individuals (PMID: 25044890). A different missense change at the same codon (p.Ile333Val) has been reported to be associated with PDE4D related disorder (PMID: 30006632). Therefore, this variant is classified as Pathogenic according to the recommendation of ACMG/AMP guideline.

Literature cited by the submitters: PubMed 30006632; PubMed 25044890.